The following is an entry in ClinVar:

ClinVar aggregate classification (germline): Uncertain significance. Review status: criteria provided, multiple submitters, no conflicts (2 of 4 stars). 2 submissions from 2 submitters: Uncertain significance (2). Last evaluated 2025-08-10.

Allele frequency attached by ClinVar (database versions not stated): gnomAD 0.00003; gnomAD exomes 0.00003; TOPMed 0.00003; ESP Exome Variant Server 0.00015.

Submissions (2):

Labcorp Genetics (formerly Invitae), Labcorp
Classification: Uncertain significance. Last evaluated: 2025-08-10. Review status: criteria provided, single submitter. Criteria: Invitae Variant Classification Sherloc (09022015). Collection method: clinical testing. Allele origin: germline.
Comment: This sequence change replaces glycine, which is neutral and non-polar, with serine, which is neutral and polar, at codon 481 of the CACNA1D protein (p.Gly481Ser). This variant is present in population databases (rs374319069, gnomAD 0.008%). This variant has not been reported in the literature in individuals affected with CACNA1D-related conditions. ClinVar contains an entry for this variant (Variation ID: 2415297). An algorithm developed to predict the effect of missense changes on protein structure and function (PolyPhen-2) suggests that this variant is likely to be disruptive. In summary, the available evidence is currently insufficient to determine the role of this variant in disease. Therefore, it has been classified as a Variant of Uncertain Significance.

GeneDx
Classification: Uncertain significance. Last evaluated: 2024-12-02. Review status: criteria provided, single submitter. Criteria: GeneDx Variant Classification Process June 2021. Collection method: clinical testing. Allele origin: germline. Affected: yes.
Comment: In silico analysis supports that this missense variant has a deleterious effect on protein structure/function; Has not been previously published as pathogenic or benign to our knowledge

NM_001128840.3(CACNA1D):c.1441G>A (p.Gly481Ser)

Gene: CACNA1D (calcium voltage-gated channel subunit alpha1 D; plus strand). Cytogenetic location: 3p21.1.
Variant type: single nucleotide variant.
Coding change: c.1441G>A on transcript NM_001128840.3 (MANE Select); coding-DNA position 1441, G replaced by A.
Protein change: p.Gly481Ser; replaces glycine 481 with serine.
Molecular consequence: missense variant.
Genome position (GRCh38, 1-based): chr3:53,718,351, G>A. VCF-style: chr3-53718351-G-A. GRCh37 (hg19) VCF-style: chr3-53752378-G-A.
Other names: c.1441G>A, p.Gly481Ser (NM_000720.4, NM_001128839.3); c.1441G>A (NM_000720.2); short protein forms G481S.
Identifiers: ClinVar variation 2415297 (VCV002415297.7), dbSNP rs374319069, ClinGen allele CA74844662.